The following is an entry in ClinVar:

ClinVar aggregate classification (germline): Uncertain significance (1 of 4 stars; one submission).

Conditions:
Hereditary spastic paraplegia 73. Also called: Spastic paraplegia 73, autosomal dominant. Identifiers: Orphanet 444099, MedGen C5568981, MONDO:0014568, OMIM 616282.

gnomAD v4.1: 28 of 1,532,800 alleles (0.0018%); highest among the groups gnomAD compares: Non-Finnish European, 0.0022%; no homozygotes.

Submission:

Labcorp Genetics (formerly Invitae), Labcorp
Classification: Uncertain significance for Hereditary spastic paraplegia 73. Last evaluated: 2025-09-21. Review status: criteria provided, single submitter. Criteria: Invitae Variant Classification Sherloc (09022015). Collection method: clinical testing. Allele origin: germline.
Comment: This sequence change falls in intron 11 of the CPT1C gene. It does not directly change the encoded amino acid sequence of the CPT1C protein. It affects a nucleotide within the consensus splice site. This variant is present in population databases (no rsID available, gnomAD 0.001%). This variant has not been reported in the literature in individuals affected with CPT1C-related conditions. Variants that disrupt the consensus splice site are a relatively common cause of aberrant splicing (PMID: 17576681, 9536098). Algorithms developed to predict the effect of sequence changes on RNA splicing suggest that this variant is not likely to affect RNA splicing. In summary, the available evidence is currently insufficient to determine the role of this variant in disease. Therefore, it has been classified as a Variant of Uncertain Significance.

Literature cited by the submitters: PubMed 17576681; PubMed 9536098.

NM_001199753.2(CPT1C):c.1161-3C>T

Gene: CPT1C (carnitine palmitoyltransferase 1C; plus strand). Cytogenetic location: 19q13.33.
Variant type: single nucleotide variant.
Coding change: c.1161-3C>T on transcript NM_001199753.2 (MANE Select); 3 bases into the intron before coding-DNA position 1161, C replaced by T.
Molecular consequence: intron variant.
Genome position (GRCh38, 1-based): chr19:49,706,228, C>T. VCF-style: chr19-49706228-C-T. GRCh37 (hg19) VCF-style: chr19-50209485-C-T.
Other names: c.1128-3C>T (NM_001378485.1, NM_001136052.3, NM_001378487.1); c.1161-3C>T (NM_001378483.1, NM_001199752.3, NM_001378486.1 and 3 more transcripts); c.1227-3C>T (NM_001378482.1).
Identifiers: ClinVar variation 4804306 (VCV004804306.1).
Genomic context (GRCh38, chr19:49,706,228, plus strand): 5'-GGGCAGGGTGGGGCCAGGTGGCGGCTGGGCAGGATGGACTCAGGCACATCCCGGGCCCTC[C>T]AGGGGCACGTGGGCCCAGGTGCGGACATCCCTGAAGACCCAGGCAGCGGAGGCCCTGGAG-3'